The following is an entry in ClinVar:

ClinVar aggregate classification (germline): Likely benign. Review status: criteria provided, multiple submitters, no conflicts (2 of 4 stars). 4 submissions from 4 submitters: Likely benign (4). Last evaluated 2025-10-14.

Conditions:
Ehlers-Danlos syndrome, classic type, 1 (EDSCL1). Also called: EHLERS-DANLOS SYNDROME, GRAVIS TYPE; EHLERS-DANLOS SYNDROME, SEVERE CLASSIC TYPE; EDS I; Ehlers-Danlos Syndrome, Classic Type, COL5A1-Related; Ehlers-Danlos syndrome, type 1. Identifiers: MedGen C0268335, MONDO:0019567, OMIM 130000.
Ehlers-Danlos syndrome, classic type, 2 (EDSCL2). Also called: Ehlers-Danlos syndrome type 2 (formerly); Ehlers-Danlos Syndrome, Classic Type, COL5A2-Related; Ehlers-Danlos syndrome, type 2. Identifiers: Orphanet 287, Orphanet 90318, MedGen C0268336, MONDO:0019568, OMIM 130010.

Allele frequency attached by ClinVar (database versions not stated): ExAC 0.00002; gnomAD exomes 0.00004 and 0.00007; TOPMed 0.00004; gnomAD 0.00005.
gnomAD v4.1: 109 of 1,608,756 alleles (0.0068%); highest among the groups gnomAD compares: Non-Finnish European, 0.0084%; no homozygotes.

Submissions (4):

Labcorp Genetics (formerly Invitae), Labcorp
Classification: Likely benign for Ehlers-Danlos syndrome, classic type, 1. Last evaluated: 2025-10-14. Review status: criteria provided, single submitter. Criteria: Invitae Variant Classification Sherloc (09022015). Collection method: clinical testing. Allele origin: germline.

Mayo Clinic Laboratories, Mayo Clinic
Classification: Likely benign. Last evaluated: 2025-06-02. Review status: criteria provided, single submitter. Criteria: ACMG Guidelines, 2015. Collection method: clinical testing. Allele origin: germline. Observed: 3 variant alleles.
Comment: BP4, BP7

ARUP Laboratories, Molecular Genetics and Genomics, ARUP Laboratories
Classification: Likely benign for Ehlers-Danlos syndrome, classic type, 2. Last evaluated: 2024-03-29. Review status: criteria provided, single submitter. Criteria: ARUP Molecular Germline Variant Investigation Process 2024. Collection method: clinical testing. Allele origin: germline.

GeneDx
Classification: Likely benign. Last evaluated: 2018-05-09. Review status: criteria provided, single submitter. Criteria: GeneDx Variant Classification (06012015). Collection method: clinical testing. Allele origin: germline. Affected: yes.
Comment: This variant is considered likely benign or benign based on one or more of the following criteria: it is a conservative change, it occurs at a poorly conserved position in the protein, it is predicted to be benign by multiple in silico algorithms, and/or has population frequency not consistent with disease.

NM_000393.5(COL5A2):c.1005+10C>T

Gene: COL5A2 (collagen type V alpha 2 chain; minus strand). Cytogenetic location: 2q32.2.
Variant type: single nucleotide variant.
Coding change: c.1005+10C>T on transcript NM_000393.5 (MANE Select); 10 bases into the intron after coding-DNA position 1005, C replaced by T.
Molecular consequence: intron variant.
Genome position (GRCh38, 1-based): chr2:189,079,053, G>A on the plus strand (C>T on the coding strand, the complement: COL5A2 is on the minus strand). VCF-style: chr2-189079053-G-A. GRCh37 (hg19) VCF-style: chr2-189943779-G-A.
Other names: p.?.
Identifiers: ClinVar variation 459723 (VCV000459723.13), dbSNP rs767297800, ClinGen allele CA2022870.